The following is an entry in ClinVar:

NM_000209.4(PDX1):c.162G>A (p.Leu54=)

Gene: PDX1 (pancreatic and duodenal homeobox 1; plus strand). Cytogenetic location: 13q12.2.
Variant type: single nucleotide variant.
Coding change: c.162G>A on transcript NM_000209.4 (MANE Select); coding-DNA position 162, G replaced by A.
Protein change: p.Leu54=; no amino-acid change (leucine 54 retained).
Molecular consequence: synonymous variant.
Genome position (GRCh38, 1-based): chr13:27,920,300, G>A. VCF-style: chr13-27920300-G-A. GRCh37 (hg19) VCF-style: chr13-28494437-G-A.
Identifiers: ClinVar variation 36404 (VCV000036404.22), dbSNP rs28509441, ClinGen allele CA325744.
Genomic context (GRCh38, chr13:27,920,300, plus strand): 5'-GTGCCTGTACATGGGCCGCCAGCCCCCGCCGCCGCCGCCGCACCCGTTCCCTGGCGCCCT[G>A]GGCGCGCTGGAGCAGGGCAGCCCCCCGGACATCTCCCCGTACGAGGTGCCCCCCCTCGCC-3'
Protein context (NP_000200.1, residues 44-64): PPPPHPFPGA[Leu54=]GALEQGSPPD

ClinVar aggregate classification (germline): Benign/Likely benign. Review status: criteria provided, multiple submitters, no conflicts (2 of 4 stars). 8 submissions from 8 submitters: Benign (6); Likely benign (2). Last evaluated 2026-01-27.

Conditions:
Pancreatic hypoplasia. Identifiers: MedGen C0266267, HP:0002594.
Maturity-onset diabetes of the young (MODY). Also called: Maturity onset diabetes mellitus in young. Identifiers: Orphanet 552, MedGen C0342276, MONDO:0018911, HP:0004904.
Maturity-onset diabetes of the young type 4 (MODY4). Also called: MODY, type IV; Maturity-onset diabetes of the young, type IV. Identifiers: Orphanet 552, MedGen C1833382, MONDO:0011667, OMIM 606392.

Allele frequency attached by ClinVar (database versions not stated): ExAC 0.00130; ESP Exome Variant Server 0.01033; 1000 Genomes Project 0.01118; gnomAD exomes 0.00103 and 0.00220; TOPMed 0.01301; gnomAD 0.01186 and 0.01287; 1000 Genomes Project 30x 0.01265.
gnomAD v4.1: 3,290 of 1,538,076 alleles (0.21%); highest among the groups gnomAD compares: African/African-American, 4.1%; 69 homozygotes.

Submissions (8):

Labcorp Genetics (formerly Invitae), Labcorp
Classification: Benign. Last evaluated: 2026-01-27. Review status: criteria provided, single submitter. Criteria: Invitae Variant Classification Sherloc (09022015). Collection method: clinical testing. Allele origin: germline.

ARUP Laboratories, Molecular Genetics and Genomics, ARUP Laboratories
Classification: Benign. Last evaluated: 2025-06-27. Review status: criteria provided, single submitter. Criteria: ARUP Molecular Germline Variant Investigation Process 2024. Collection method: clinical testing. Allele origin: germline.

Ambry Genetics
Classification: Benign for Maturity-onset diabetes of the young. Last evaluated: 2016-10-11. Review status: criteria provided, single submitter. Criteria: Ambry Variant Classification Scheme 2023. Collection method: clinical testing. Allele origin: germline.

GeneDx
Classification: Benign. Last evaluated: 2016-03-04. Review status: criteria provided, single submitter. Criteria: GeneDx Variant Classification (06012015). Collection method: clinical testing. Allele origin: germline. Affected: yes.
Comment: This variant is considered likely benign or benign based on one or more of the following criteria: it is a conservative change, it occurs at a poorly conserved position in the protein, it is predicted to be benign by multiple in silico algorithms, and/or has population frequency not consistent with disease.

Eurofins Ntd Llc (ga)
Classification: Benign. Last evaluated: 2016-03-01. Review status: criteria provided, single submitter. Criteria: EGL Classification Definitions 2015. Collection method: clinical testing. Allele origin: germline. Observed: 1 variant allele, 1 heterozygote.

Athena Diagnostics
Classification: Benign. Last evaluated: 2012-04-27. Review status: criteria provided, single submitter. Criteria: Athena Diagnostics Criteria. Collection method: clinical testing. Allele origin: germline.

Women's Health and Genetics/Laboratory Corporation of America, LabCorp
Classification: Likely benign for MODY4. Last evaluated: 2011-08-18. Review status: criteria provided, single submitter. Criteria: LabCorp Variant Classification Summary - May 2015. Collection method: clinical testing. Allele origin: germline. Inheritance: autosomal unknown.
ClinVar note: Converted during submission from likely benign to Likely benign.

Clinical Genomics, Uppaluri K&H Personalized Medicine Clinic
Classification: Likely benign for Pancreatic hypoplasia. Review status: criteria provided, single submitter. Criteria: K & H Uppaluri Personalized Medicine Clinic Variant Classification & Assertion Criteria_Updated V.1. Collection method: research. Allele origin: unknown. Inheritance: Autosomal recessive inheritance.
Comment: Potent homozygous mutations in the PDX1 gene can lead to pancreatic agenesis/pancreatic hypoplasia and neonatal diabetes mellitus. However no sufficient evidence is found to ascertain the role of this particular variant rs28509441, yet.

Literature cited by the submitters: PubMed 14764823 (cited by Athena Diagnostics and Women's Health and Genetics/Laboratory Corporation of America, LabCorp); PubMed 15883474 (cited by Athena Diagnostics); PubMed 31366392 (cited by Clinical Genomics, Uppaluri K&H Personalized Medicine Clinic); PubMed 19855005 (cited by Clinical Genomics, Uppaluri K&H Personalized Medicine Clinic); PubMed 29396371 (cited by Clinical Genomics, Uppaluri K&H Personalized Medicine Clinic); PubMed 28436541 (cited by Clinical Genomics, Uppaluri K&H Personalized Medicine Clinic); PubMed 27386488 (cited by Clinical Genomics, Uppaluri K&H Personalized Medicine Clinic); PubMed 19817786 (cited by Clinical Genomics, Uppaluri K&H Personalized Medicine Clinic).